The following is an entry in ClinVar:

ClinVar aggregate classification (germline): Pathogenic (1 of 4 stars; one submission).

Conditions:
Beta-D-mannosidosis (MANSB). Also called: MANNOSIDOSIS, BETA A, LYSOSOMAL; BETA-MANNOSIDASE DEFICIENCY; LYSOSOMAL BETA-MANNOSIDASE DEFICIENCY; Beta-Mannosidosis. Identifiers: Orphanet 118, MedGen C4048196, MONDO:0009562, OMIM 248510.

Allele frequency attached by ClinVar (database versions not stated): gnomAD 0.00001; TOPMed below 0.00001.

Submission:

Labcorp Genetics (formerly Invitae), Labcorp
Classification: Pathogenic for Beta-D-mannosidosis. Last evaluated: 2023-02-14. Review status: criteria provided, single submitter. Criteria: Invitae Variant Classification Sherloc (09022015). Collection method: clinical testing. Allele origin: germline.
Comment: For these reasons, this variant has been classified as Pathogenic. Algorithms developed to predict the effect of sequence changes on RNA splicing suggest that this variant may disrupt the consensus splice site. This variant has not been reported in the literature in individuals affected with MANBA-related conditions. This variant is present in population databases (no rsID available, gnomAD 0.01%). This sequence change creates a premature translational stop signal (p.Trp518*) in the MANBA gene. It is expected to result in an absent or disrupted protein product. Loss-of-function variants in MANBA are known to be pathogenic (PMID: 9384606, 12468273).

Literature cited by the submitters: PubMed 9384606; PubMed 12468273.

NM_005908.4(MANBA):c.1553G>A (p.Trp518Ter)

Gene: MANBA (mannosidase beta; minus strand). Cytogenetic location: 4q24.
Variant type: single nucleotide variant.
Coding change: c.1553G>A on transcript NM_005908.4 (MANE Select); coding-DNA position 1553, G replaced by A.
Protein change: p.Trp518Ter; replaces tryptophan 518 with a stop codon.
Molecular consequence: nonsense.
Genome position (GRCh38, 1-based): chr4:102,657,833, C>T on the plus strand (G>A on the coding strand, the complement: MANBA is on the minus strand). VCF-style: chr4-102657833-C-T. GRCh37 (hg19) VCF-style: chr4-103578990-C-T.
Other names: short protein forms W518*.
Identifiers: ClinVar variation 2836979 (VCV002836979.3), dbSNP rs866558712, ClinGen allele CA102690167.
Genomic context (GRCh38, chr4:102,657,833, plus strand): 5'-CTGATATAGTCATAAAAATGTACATCACCAAAATAATTGCTATTAGGGTTTTGAGAGACC[C>T]AGGCTTCTGCAACAGTTTCAGCCCCATTTGTAGGACTGGACGTAATAAAAGGACGACTCT-3'